The following is an entry in ClinVar:

ClinVar aggregate classification (germline): Uncertain significance (1 of 4 stars; one submission).

Submission:

Labcorp Genetics (formerly Invitae), Labcorp
Classification: Uncertain significance. Last evaluated: 2025-05-21. Review status: criteria provided, single submitter. Criteria: Invitae Variant Classification Sherloc (09022015). Collection method: clinical testing. Allele origin: germline.
Comment: This sequence change replaces valine, which is neutral and non-polar, with glutamic acid, which is acidic and polar, at codon 55 of the ITGAM protein (p.Val55Glu). This variant is not present in population databases (gnomAD no frequency). This variant has not been reported in the literature in individuals affected with ITGAM-related conditions. An algorithm developed to predict the effect of missense changes on protein structure and function (PolyPhen-2) suggests that this variant is likely to be tolerated. In summary, the available evidence is currently insufficient to determine the role of this variant in disease. Therefore, it has been classified as a Variant of Uncertain Significance.

NM_000632.4(ITGAM):c.164T>A (p.Val55Glu)

Genes: ITGAM (integrin subunit alpha M; plus strand), LOC126862331 (P300/CBP strongly-dependent group 1 enhancer GRCh37_chr16:31276375-31277574; plus strand). Cytogenetic location: 16p11.2.
Variant type: single nucleotide variant.
Coding change: c.164T>A on transcript NM_000632.4 (MANE Select); coding-DNA position 164, T replaced by A.
Protein change: p.Val55Glu; replaces valine 55 with glutamic acid.
Molecular consequence: missense variant.
Genome position (GRCh38, 1-based): chr16:31,265,424, T>A. VCF-style: chr16-31265424-T-A. GRCh37 (hg19) VCF-style: chr16-31276745-T-A.
Other names: c.164T>A, p.Val55Glu (NM_001145808.2); short protein forms V55E.
Identifiers: ClinVar variation 4719616 (VCV004719616.1).